The following is an entry in ClinVar:

ClinVar aggregate classification (germline): Uncertain significance (1 of 4 stars; one submission).

Conditions:
Hereditary breast ovarian cancer syndrome. Also called: Hereditary breast and ovarian cancer; Hereditary breast and/or ovarian cancer syndrome; Hereditary breast and ovarian cancer syndrome; Hereditary breast and ovarian cancer syndrome (HBOC); BRCA1- and BRCA2-Associated Hereditary Breast and Ovarian Cancer; Breast and ovarian cancer. Identifiers: Orphanet 145, MedGen C0677776, MeSH D061325, MONDO:0003582. Disease mechanism: loss of function.

Submission:

Labcorp Genetics (formerly Invitae), Labcorp
Classification: Uncertain significance for Hereditary breast ovarian cancer syndrome. Last evaluated: 2023-07-19. Review status: criteria provided, single submitter. Criteria: Invitae Variant Classification Sherloc (09022015). Collection method: clinical testing. Allele origin: germline.
Comment: Advanced modeling of protein sequence and biophysical properties (such as structural, functional, and spatial information, amino acid conservation, physicochemical variation, residue mobility, and thermodynamic stability) performed at Invitae indicates that this missense variant is not expected to disrupt BRCA1 protein function. In summary, the available evidence is currently insufficient to determine the role of this variant in disease. Therefore, it has been classified as a Variant of Uncertain Significance. ClinVar contains an entry for this variant (Variation ID: 951122). This variant has not been reported in the literature in individuals affected with BRCA1-related conditions. This variant is not present in population databases (gnomAD no frequency). This sequence change replaces aspartic acid, which is acidic and polar, with glutamic acid, which is acidic and polar, at codon 1441 of the BRCA1 protein (p.Asp1441Glu).

NM_007294.4(BRCA1):c.4323C>A (p.Asp1441Glu)

Gene: BRCA1 (BRCA1 DNA repair associated; minus strand). Cytogenetic location: 17q21.31.
Variant type: single nucleotide variant.
Coding change: c.4323C>A on transcript NM_007294.4 (MANE Select); coding-DNA position 4323, C replaced by A.
Protein change: p.Asp1441Glu; replaces aspartic acid 1441 with glutamic acid.
Molecular consequence: missense variant. On other transcripts: non-coding transcript variant (1).
Genome position (GRCh38, 1-based): chr17:43,082,438, G>T on the plus strand (C>A on the coding strand, the complement: BRCA1 is on the minus strand). VCF-style: chr17-43082438-G-T. GRCh37 (hg19) VCF-style: chr17-41234455-G-T.
Other names: c.4320C>A, p.Asp1440Glu (NM_001407625.1, NM_001407626.1, NM_001407633.1 and 21 more transcripts); c.4317C>A, p.Asp1439Glu (NM_001407627.1, NM_001407628.1, NM_001407629.1 and 5 more transcripts); c.4200C>A, p.Asp1400Glu (NM_001407648.1, NM_001407664.1, NM_001407665.1 and 13 more transcripts); c.4197C>A, p.Asp1399Glu (NM_001407649.1, NM_001407670.1, NM_001407671.1 and 12 more transcripts); c.4323C>A, p.Asp1441Glu (NM_001407652.1, NM_001407581.1, NM_001407582.1 and 23 more transcripts); c.4245C>A, p.Asp1415Glu (NM_001407653.1, NM_001407654.1, NM_001407655.1 and 2 more transcripts); c.4242C>A, p.Asp1414Glu (NM_001407656.1, NM_001407661.1, NM_001407662.1 and 1 more transcripts); c.4239C>A, p.Asp1413Glu (NM_001407659.1, NM_001407660.1); and 51 more; short protein forms D338E, D1394E, D1441E, D1145E, D1369E, D1373E, D1400E, D1415E.
Identifiers: ClinVar variation 951122 (VCV000951122.11), dbSNP rs1057523168, ClinGen allele CA10593075.